The following is an entry in ClinVar:

NM_002465.4(MYBPC1):c.557-10C>T

Gene: MYBPC1 (myosin binding protein C1; plus strand). Cytogenetic location: 12q23.2.
Variant type: single nucleotide variant.
Coding change: c.557-10C>T on transcript NM_002465.4 (MANE Select); 10 bases into the intron before coding-DNA position 557, C replaced by T.
Molecular consequence: intron variant.
Genome position (GRCh38, 1-based): chr12:101,634,544, C>T. VCF-style: chr12-101634544-C-T. GRCh37 (hg19) VCF-style: chr12-102028322-C-T.
Other names: c.557-10C>T (NM_206819.4, NM_001404675.1); c.482-10C>T (NM_001254718.3, NM_206820.4, NM_001254719.3 and 4 more transcripts); c.446-10C>T (NM_001254720.3); c.443-10C>T (NM_001254723.3); c.404-10C>T (NM_001254722.3, NM_001404680.1, NM_001404679.1 and 2 more transcripts).
Identifiers: ClinVar variation 306724 (VCV000306724.9), dbSNP rs529365953, ClinGen allele CA6744564.

ClinVar aggregate classification (germline): Benign. Review status: criteria provided, single submitter (1 of 4 stars). 2 submissions from 2 submitters: Benign (1). 1 of the submissions does not count toward it. Last evaluated 2018-01-13.

Conditions:
MYBPC1-related disorder. Also called: MYBPC1-related condition.
Arthrogryposis, distal, type 1B. Identifiers: Orphanet 1146, MedGen C3280526, MONDO:0013698, OMIM 614335.

Allele frequency attached by ClinVar (database versions not stated): gnomAD 0.00007 and 0.00003; 1000 Genomes Project 30x 0.00016; gnomAD exomes 0.00014; 1000 Genomes Project 0.00020; TOPMed 0.00006; ExAC 0.00015.
gnomAD v4.1: 122 of 1,608,864 alleles (0.0076%); highest among the groups gnomAD compares: Middle Eastern, 0.099%; 2 homozygotes.

Submissions (2):

Illumina Laboratory Services, Illumina
Classification: Benign for Arthrogryposis, distal, type 1B. Last evaluated: 2018-01-13. Review status: criteria provided, single submitter. Criteria: ICSL Variant Classification Criteria 13 December 2019. Collection method: clinical testing. Allele origin: germline.
Comment: This variant was observed in the ICSL laboratory as part of a predisposition screen in an ostensibly healthy population. It had not been previously curated by ICSL or reported in the Human Gene Mutation Database (HGMD: prior to June 1st, 2018), and was therefore a candidate for classification through an automated scoring system. Utilizing variant allele frequency, disease prevalence and penetrance estimates, and inheritance mode, an automated score was calculated to assess if this variant is too frequent to cause the disease. Based on the score and internal cut-off values, a variant classified as benign is not then subjected to further curation. The score for this variant resulted in a classification of benign for this disease.

PreventionGenetics, part of Exact Sciences
Classification: Likely benign for MYBPC1-related condition. Last evaluated: 2019-11-22. Review status: no assertion criteria provided. Collection method: clinical testing. Allele origin: germline. Not counted in ClinVar's aggregate classification.
Comment: This variant is classified as likely benign based on ACMG/AMP sequence variant interpretation guidelines (Richards et al. 2015 PMID: 25741868, with internal and published modifications).